The following is an entry in ClinVar:

ClinVar aggregate classification (germline): Uncertain significance (1 of 4 stars; one submission).

Conditions:
Inborn genetic diseases. Identifiers: MedGen C0950123, MeSH D030342.

Submission:

Ambry Genetics
Classification: Uncertain significance for Inborn genetic diseases. Last evaluated: 2022-07-17. Review status: criteria provided, single submitter. Criteria: Ambry Variant Classification Scheme 2023. Collection method: clinical testing. Allele origin: germline.
Comment: The p.N341S variant (also known as c.1022A>G), located in coding exon 8 of the EPAS1 gene, results from an A to G substitution at nucleotide position 1022. The asparagine at codon 341 is replaced by serine, an amino acid with highly similar properties. This amino acid position is conserved. In addition, this alteration is predicted to be tolerated by in silico analysis. Since supporting evidence is limited at this time, the clinical significance of this alteration remains unclear.

NM_001430.5(EPAS1):c.1022A>G (p.Asn341Ser)

Gene: EPAS1 (endothelial PAS domain protein 1; plus strand). Cytogenetic location: 2p21.
Variant type: single nucleotide variant.
Coding change: c.1022A>G on transcript NM_001430.5 (MANE Select); coding-DNA position 1022, A replaced by G.
Protein change: p.Asn341Ser; replaces asparagine 341 with serine.
Molecular consequence: missense variant.
Genome position (GRCh38, 1-based): chr2:46,375,825, A>G. VCF-style: chr2-46375825-A-G. GRCh37 (hg19) VCF-style: chr2-46602964-A-G.
Other names: short protein forms N341S.
Identifiers: ClinVar variation 1763230 (VCV001763230.2), dbSNP rs2103662640, ClinGen allele CA346702989.